The following is an entry in ClinVar:

NM_000352.6(ABCC8):c.152G>A (p.Trp51Ter)

Gene: ABCC8 (ATP binding cassette subfamily C member 8; minus strand). Cytogenetic location: 11p15.1.
Variant type: single nucleotide variant.
Coding change: c.152G>A on transcript NM_000352.6 (MANE Select); coding-DNA position 152, G replaced by A.
Protein change: p.Trp51Ter; replaces tryptophan 51 with a stop codon.
Molecular consequence: nonsense. On other transcripts: non-coding transcript variant (1).
Genome position (GRCh38, 1-based): chr11:17,475,024, C>T on the plus strand (G>A on the coding strand, the complement: ABCC8 is on the minus strand). VCF-style: chr11-17475024-C-T. GRCh37 (hg19) VCF-style: chr11-17496571-C-T.
Other names: c.152G>A, p.Trp51Ter (NM_001287174.3, NM_001351295.2, NM_001351296.2 and 1 more transcripts); short protein forms W51*.
Identifiers: ClinVar variation 657643 (VCV000657643.9), dbSNP rs1591928988, ClinGen allele CA379788703.

ClinVar aggregate classification (germline): Conflicting classifications of pathogenicity. Review status: criteria provided, conflicting classifications (1 of 4 stars). 3 submissions from 2 submitters: Pathogenic (1); Uncertain significance (2). Last evaluated 2022-02-28.

Conditions:
Maturity-onset diabetes of the young (MODY). Also called: Maturity onset diabetes mellitus in young. Identifiers: Orphanet 552, MedGen C0342276, MONDO:0018911, HP:0004904.
Transitory neonatal diabetes mellitus. Also called: Transient neonatal diabetes mellitus. Identifiers: MedGen C0342273, MONDO:0020525, HP:0008255.

Submissions (3):

Labcorp Genetics (formerly Invitae), Labcorp
Classification: Pathogenic. Last evaluated: 2022-02-28. Review status: criteria provided, single submitter. Criteria: Invitae Variant Classification Sherloc (09022015). Collection method: clinical testing. Allele origin: germline.
Comment: This sequence change creates a premature translational stop signal (p.Trp51*) in the ABCC8 gene. It is expected to result in an absent or disrupted protein product. Loss-of-function variants in ABCC8 are known to be pathogenic (PMID: 20685672, 23345197). For these reasons, this variant has been classified as Pathogenic. Algorithms developed to predict the effect of sequence changes on RNA splicing suggest that this variant may disrupt the consensus splice site. ClinVar contains an entry for this variant (Variation ID: 657643). This variant has not been reported in the literature in individuals affected with ABCC8-related conditions. This variant is not present in population databases (gnomAD no frequency).

Clinical Genomics, Uppaluri K&H Personalized Medicine Clinic
Classification: Uncertain significance for Maturity-onset diabetes of the young. Review status: criteria provided, single submitter. Criteria: K & H Uppaluri Personalized Medicine Clinic Variant Classification & Assertion Criteria_Updated V.1. Collection method: research. Allele origin: unknown. Inheritance: Somatic mutation.
Comment: Mutations in ABCC8 gene are associated with both neonatal diabetes mellitus as well as MODY. Patients with this mutation may have a better response to sulfonylureas. However, no sufficient evidence is found to ascertain the role of this particular variant (rs1591928988) in MODY yet.

Clinical Genomics, Uppaluri K&H Personalized Medicine Clinic
Classification: Uncertain significance for Transitory neonatal diabetes mellitus. Review status: criteria provided, single submitter. Criteria: K & H Uppaluri Personalized Medicine Clinic Variant Classification & Assertion Criteria_Updated V.1. Collection method: research. Allele origin: unknown.
Comment: Mutations in ABCC8 gene are associated with both neonatal diabetes mellitus as well as MODY. Patients with this mutation may have a better response to sulfonylureas. However, no sufficient evidence is found to ascertain the role of this particular variant (rs1591928988) in neonatal diabetes yet.

Literature cited by the submitters: PubMed 20685672 (cited by Labcorp Genetics (formerly Invitae), Labcorp); PubMed 23345197 (cited by Labcorp Genetics (formerly Invitae), Labcorp); PubMed 16885549 (cited by Clinical Genomics, Uppaluri K&H Personalized Medicine Clinic); PubMed 21989597 (cited by Clinical Genomics, Uppaluri K&H Personalized Medicine Clinic); PubMed 27538677 (cited by Clinical Genomics, Uppaluri K&H Personalized Medicine Clinic); PubMed 18981553 (cited by Clinical Genomics, Uppaluri K&H Personalized Medicine Clinic); PubMed 32027066 (cited by Clinical Genomics, Uppaluri K&H Personalized Medicine Clinic); PubMed 16613899 (cited by Clinical Genomics, Uppaluri K&H Personalized Medicine Clinic); PubMed 18025408 (cited by Clinical Genomics, Uppaluri K&H Personalized Medicine Clinic); PubMed 32792356 (cited by Clinical Genomics, Uppaluri K&H Personalized Medicine Clinic).